The following is an entry in ClinVar:

ClinVar aggregate classification (germline): Likely benign (1 of 4 stars; one submission).

Conditions:
PPARG-related disorder. Also called: PPARG-related condition; PPARG-related disorders.

gnomAD v4.1: 2 of 1,613,566 alleles (0.00012%); highest among the groups gnomAD compares: Non-Finnish European, 0.00017%; no homozygotes.

Submission:

PreventionGenetics, part of Exact Sciences
Classification: Likely benign for PPARG-related condition. Last evaluated: 2026-07-12. Review status: criteria provided, single submitter. Criteria: ACMG Guidelines, 2015. Collection method: clinical testing. Allele origin: germline.
Comment: This variant is classified as likely benign based on ACMG/AMP sequence variant interpretation guidelines (Richards et al. 2015 PMID: 25741868, with internal and published modifications).

NM_138711.6(PPARG):c.1179A>G (p.Gly393=)

Gene: PPARG (peroxisome proliferator activated receptor gamma; plus strand). Cytogenetic location: 3p25.2.
Variant type: single nucleotide variant.
Coding change: c.1179A>G on transcript NM_138711.6 (MANE Select); coding-DNA position 1179, A replaced by G.
Protein change: p.Gly393=; no amino-acid change (glycine 393 retained).
Molecular consequence: synonymous variant. On other transcripts: intron variant (5).
Genome position (GRCh38, 1-based): chr3:12,417,153, A>G. VCF-style: chr3-12417153-A-G. GRCh37 (hg19) VCF-style: chr3-12458652-A-G.
Other names: c.1179A>G, p.Gly393= (NM_001354666.3, NM_001354667.3, NM_001374263.2 and 3 more transcripts); c.552A>G, p.Gly184= (NM_001354669.2); c.1269A>G, p.Gly423= (NM_015869.5); c.729+11072A>G (NM_001374261.3, NM_001374262.3, NM_001330615.4); c.653+11154A>G (NM_001374266.1); c.819+11072A>G (NM_001374265.1).
Identifiers: ClinVar variation 4984943 (VCV004984943.1).